The following is an entry in ClinVar:

NM_024577.4(SH3TC2):c.*14827T>A

Gene: SH3TC2 (SH3 domain and tetratricopeptide repeats 2; minus strand). Cytogenetic location: 5q32.
Variant type: single nucleotide variant.
Coding change: c.*14827T>A on transcript NM_024577.4 (MANE Select); 14827 bases downstream of the stop codon, T replaced by A.
Molecular consequence: 3 prime UTR variant.
Genome position (GRCh38, 1-based): chr5:148,989,884, A>T on the plus strand (T>A on the coding strand, the complement: SH3TC2 is on the minus strand). VCF-style: chr5-148989884-A-T. GRCh37 (hg19) VCF-style: chr5-148369447-A-T.
Identifiers: ClinVar variation 351659 (VCV000351659.5), dbSNP rs569378409, ClinGen allele CA10620597.

ClinVar aggregate classification (germline): Conflicting classifications of pathogenicity. Review status: criteria provided, conflicting classifications (1 of 4 stars). 2 submissions from 1 submitter: Uncertain significance (1); Likely benign (1). Last evaluated 2018-01-12.

Conditions:
Charcot-Marie-Tooth disease type 4C (CMT4C). Also called: CHARCOT-MARIE-TOOTH DISEASE, DEMYELINATING, AUTOSOMAL RECESSIVE, TYPE 4C; CMT 4C; Charcot-Marie-Tooth Neuropathy Type 4C (CMT4C); CHARCOT-MARIE-TOOTH DISEASE, DEMYELINATING, TYPE 4C; SH3TC2-Related Hereditary Motor and Sensory Neuropathy. Identifiers: Orphanet 99949, MedGen C1866636, MONDO:0011113, OMIM 601596.
Susceptibility to mononeuropathy of the median nerve, mild. Also called: CARPAL TUNNEL SYNDROME, SUSCEPTIBILITY TO. Identifiers: MedGen C3150596, MONDO:0013237, OMIM 613353.

Allele frequency attached by ClinVar (database versions not stated): gnomAD 0.00024; TOPMed 0.00038; 1000 Genomes Project 0.00040; 1000 Genomes Project 30x 0.00047.
gnomAD v4.1: 39 of 152,230 alleles (0.026%); highest among the groups gnomAD compares: Non-Finnish European, 0.043%; no homozygotes.

Submissions (2):

Illumina Laboratory Services, Illumina
Classification: Uncertain significance for Charcot-Marie-Tooth disease type 4C. Last evaluated: 2018-01-12. Review status: criteria provided, single submitter. Criteria: ICSL Variant Classification Criteria 13 December 2019. Collection method: clinical testing. Allele origin: germline.

Illumina Laboratory Services, Illumina
Classification: Likely benign for Susceptibility to mononeuropathy of the median nerve, mild. Last evaluated: 2018-01-12. Review status: criteria provided, single submitter. Criteria: ICSL Variant Classification Criteria 13 December 2019. Collection method: clinical testing. Allele origin: germline.
Comment: This variant was observed in the ICSL laboratory as part of a predisposition screen in an ostensibly healthy population. It had not been previously curated by ICSL or reported in the Human Gene Mutation Database (HGMD: prior to June 1st, 2018), and was therefore a candidate for classification through an automated scoring system. Utilizing variant allele frequency, disease prevalence and penetrance estimates, and inheritance mode, an automated score was calculated to assess if this variant is too frequent to cause the disease. Based on the score and internal cut-off values, a variant classified as likely benign is not then subjected to further curation. The score for this variant resulted in a classification of likely benign for this disease.